The following is an entry in ClinVar:

ClinVar aggregate classification (germline): Pathogenic (1 of 4 stars; one submission).

Conditions:
Inborn genetic diseases. Identifiers: MedGen C0950123, MeSH D030342.

Submission:

Ambry Genetics
Classification: Pathogenic for Inborn genetic diseases. Last evaluated: 2024-06-14. Review status: criteria provided, single submitter. Criteria: Ambry Variant Classification Scheme 2023. Collection method: clinical testing. Allele origin: germline.
Comment: The c.6146_6150dupGACAC (p.H2051Dfs*21) alteration, located in exon 6 (coding exon 5) of the ZNF462 gene, consists of a duplication of GACAC at position 6146, causing a translational frameshift with a predicted alternate stop codon after 21 amino acids. This alteration is expected to result in loss of function by premature protein truncation or nonsense-mediated mRNA decay. This variant was not reported in population-based cohorts in the Genome Aggregation Database (gnomAD). Based on the available evidence, this alteration is classified as pathogenic.

NM_021224.6(ZNF462):c.6146_6150dup (p.His2051fs)

Gene: ZNF462 (zinc finger protein 462; plus strand). Cytogenetic location: 9q31.2.
Variant type: Duplication.
Coding change: c.6146_6150dup on transcript NM_021224.6 (MANE Select); coding-DNA positions 6146 to 6150, 5 bases duplicated (GACAC; older notation c.6146_6150dupGACAC).
Protein change: p.His2051fs; shifts the reading frame from histidine 2051.
Molecular consequence: frameshift variant.
Genome position (GRCh38, 1-based): chr9:106,935,532-106,935,536, GACAC duplicated. VCF-style (leftmost placement, unchanged base first): chr9-106935531-G-GGACAC. GRCh37 (hg19) VCF-style: chr9-109697812-G-GGACAC.
Other names: c.3551_3555dup, p.His1186fs (NM_001347997.2); short protein forms H2051fs, H1186fs.
Identifiers: ClinVar variation 3258178 (VCV003258178.1).
Genomic context (GRCh38, chr9:106,935,531, plus strand): 5'-CATTTTTCTTTTTGTTTTCCTTCTACATCAAGTTTGGATCGCCATATGCAAACCCACCAC[G>GGACAC]GACACCATAAACCATTCCGATGCAAACTCTGCTCCTTCAAGTCCTCCTATAACAGCCGGC-3'